The following is an entry in ClinVar:

NM_000214.3(JAG1):c.53T>C (p.Leu18Pro)

Gene: JAG1 (jagged canonical Notch ligand 1; minus strand). Cytogenetic location: 20p12.2.
Variant type: single nucleotide variant.
Coding change: c.53T>C on transcript NM_000214.3 (MANE Select); coding-DNA position 53, T replaced by C.
Protein change: p.Leu18Pro; replaces leucine 18 with proline.
Molecular consequence: missense variant.
Genome position (GRCh38, 1-based): chr20:10,673,478, A>G on the plus strand (T>C on the coding strand, the complement: JAG1 is on the minus strand). VCF-style: chr20-10673478-A-G. GRCh37 (hg19) VCF-style: chr20-10654126-A-G.
Other names: c.53T>C (NM_000214.2); short protein forms L18P.
Identifiers: ClinVar variation 3573061 (VCV003573061.3).
Genomic context (GRCh38, chr20:10,673,478, plus strand): 5'-GCTGGGAGGGAGGCCCGGAGAAGGGCTCCTACCTTGGCTCGCAGGGCACAGAGCAGGGCG[A>G]GCAGGAGGCTTAGGGGGCGCCCGGACCGGCCGCGCGTCCGTGGGGAACGCATCGCTGCGC-3'
Protein context (NP_000205.1, residues 8-28): GRSGRPLSLL[Leu18Pro]ALLCALRAKV

ClinVar aggregate classification (germline): Uncertain significance (1 of 4 stars; one submission).

Conditions:
JAG1-related disorder. Also called: JAG1-related disorders; JAG1-related condition.

Submissions (2):

PreventionGenetics, part of Exact Sciences
Classification: Uncertain significance for JAG1-related condition. Last evaluated: 2026-09-25. Review status: criteria provided, single submitter. Criteria: ACMG Guidelines, 2015. Collection method: clinical testing. Allele origin: germline.
Comment: The JAG1 c.53T>C variant is predicted to result in the amino acid substitution p.Leu18Pro. To our knowledge, this variant has not been reported in the literature or in a large population database (gnomAD), indicating this variant is rare. At this time, the clinical significance of this variant is uncertain due to the absence of conclusive functional and genetic evidence.

Gilbert/Spinner Lab, Children's Hospital of Philadelphia
No classification provided (evidence only). Condition: Alagille syndrome. Review status: no classification provided. Collection method: research. Allele origin: not applicable. Functional consequence: functionally_abnormal. Not counted in ClinVar's aggregate classification.
ClinVar note: "not provided" was previously submitted as the classification for the variant. However, the classification appeared to be based only on an observation of functional data so it was converted to no classification on 2025-07-30.